The following is an entry in ClinVar:

NM_000271.5(NPC1):c.2795+65C>T

Gene: NPC1 (NPC intracellular cholesterol transporter 1; minus strand). Cytogenetic location: 18q11.2.
Variant type: single nucleotide variant.
Coding change: c.2795+65C>T on transcript NM_000271.5 (MANE Select); 65 bases into the intron after coding-DNA position 2795, C replaced by T.
Molecular consequence: intron variant.
Genome position (GRCh38, 1-based): chr18:23,539,746, G>A on the plus strand (C>T on the coding strand, the complement: NPC1 is on the minus strand). VCF-style: chr18-23539746-G-A. GRCh37 (hg19) VCF-style: chr18-21119710-G-A.
Identifiers: ClinVar variation 4983520 (VCV004983520.1).
Genomic context (GRCh38, chr18:23,539,746, plus strand): 5'-CATTTTGCATAAAAACAACTTTTCCAAGAAAGTCTATTTTCAGTGAGACATTTCAGGCCT[G>A]AGCTGACTGCCTGGCTGAGAGCCTCCTCCGCTGCTTCTGAAGTACAAGACAAGGTGGTAC-3'

ClinVar aggregate classification (germline): Likely benign (1 of 4 stars; one submission).

Conditions:
NPC1-related disorder. Also called: NPC1-related condition.

gnomAD v4.1: 125 of 1,537,050 alleles (0.0081%); highest among the groups gnomAD compares: Non-Finnish European, 0.01%; 1 homozygote.

Submission:

PreventionGenetics, part of Exact Sciences
Classification: Likely benign for NPC1-related condition. Last evaluated: 2025-01-14. Review status: criteria provided, single submitter. Criteria: ACMG Guidelines, 2015. Collection method: clinical testing. Allele origin: germline.
Comment: This variant is classified as likely benign based on ACMG/AMP sequence variant interpretation guidelines (Richards et al. 2015 PMID: 25741868, with internal and published modifications).